The following is an entry in ClinVar:

ClinVar aggregate classification (germline): Uncertain significance (1 of 4 stars; one submission).

Conditions:
Malignant hyperthermia, susceptibility to, 1 (MHS1). Also called: Anesthesia related hyperthermia; Malignant hyperpyrexia; Fulminating hyperpyrexia; Pharmacogenic myopathy; RYR1-Related Malignant Hyperthermia Susceptibility; Malignant hyperthermia suceptibility 1. Identifiers: Orphanet 423, MedGen C2930980, MONDO:0007783, OMIM 145600.

Allele frequency attached by ClinVar (database versions not stated): TOPMed below 0.00001; gnomAD 0.00001.
gnomAD v4.1: 1 of 1,613,962 alleles (0.000062%); highest among the groups gnomAD compares: Non-Finnish European, 0.000085%; no homozygotes.

Submission:

All of Us Research Program, National Institutes of Health
Classification: Uncertain significance for Malignant hyperthermia, susceptibility to, 1. Last evaluated: 2024-02-05. Review status: criteria provided, single submitter. Criteria: ACMG Guidelines, 2015. Collection method: clinical testing. Allele origin: germline. Inheritance: Autosomal dominant inheritance. Observed: 1 variant allele, 1 heterozygote.
Comment: This missense variant replaces glutamic acid with lysine at codon 2412 of the RYR1 protein. Computational prediction suggests that this variant may have deleterious impact on protein structure and function (internally defined REVEL score threshold >= 0.7, PMID: 27666373). To our knowledge, functional studies have not been reported for this variant. This variant has not been reported in individuals affected with RYR1-related disorders in the literature. This variant has not been identified in the general population by the Genome Aggregation Database (gnomAD). The available evidence is insufficient to determine the role of this variant in disease conclusively. Therefore, this variant is classified as a Variant of Uncertain Significance.

This study involves interpretation of variants in research participants for the purpose of population health screening. Participant phenotype was not available at the time of variant classification. Additional details can be found in publication PMID: 35346344, PMCID: PMC8962531

NM_000540.3(RYR1):c.7234G>A (p.Glu2412Lys)

Gene: RYR1 (ryanodine receptor 1; plus strand). Cytogenetic location: 19q13.2.
Variant type: single nucleotide variant.
Coding change: c.7234G>A on transcript NM_000540.3 (MANE Select); coding-DNA position 7234, G replaced by A.
Protein change: p.Glu2412Lys; replaces glutamic acid 2412 with lysine.
Molecular consequence: missense variant.
Genome position (GRCh38, 1-based): chr19:38,499,927, G>A. VCF-style: chr19-38499927-G-A. GRCh37 (hg19) VCF-style: chr19-38990567-G-A.
Other names: c.7234G>A, p.Glu2412Lys (NM_001042723.2); short protein forms E2412K.
Identifiers: ClinVar variation 3075474 (VCV003075474.1), dbSNP rs1247609577, ClinGen allele CA405669132.